The following is an entry in ClinVar:

NM_000179.3(MSH6):c.3732_3735dup (p.Ser1246fs)

Gene: MSH6 (mutS homolog 6; plus strand). Cytogenetic location: 2p16.3.
Variant type: Duplication.
Coding change: c.3732_3735dup on transcript NM_000179.3 (MANE Select); coding-DNA positions 3732 to 3735, 4 bases duplicated (ATTT; older notation c.3732_3735dupATTT).
Protein change: p.Ser1246fs; shifts the reading frame from serine 1246.
Molecular consequence: frameshift variant.
Genome position (GRCh38, 1-based): chr2:47,806,289-47,806,292, ATTT duplicated; duplicating any 4 consecutive bases within chr2:47,806,287-47,806,292 gives the same sequence; the c. name uses the placement nearest the transcript's 3' end. VCF-style (leftmost placement, unchanged base first): chr2-47806286-A-ATTAT. GRCh37 (hg19) VCF-style: chr2-48033425-A-ATTAT.
Other names: c.3732_3735dupATTT (NM_000179.2); c.3342_3345dup, p.Ser1116fs (NM_001281492.2); c.2826_2829dup, p.Ser944fs (NM_001281493.2, NM_001281494.2); short protein forms S1246fs, S1116fs, S944fs.
Identifiers: ClinVar variation 418871 (VCV000418871.23), dbSNP rs1553333072, ClinGen allele CA16617708.

ClinVar aggregate classification (germline): Pathogenic/Likely pathogenic. Review status: criteria provided, multiple submitters, no conflicts (2 of 4 stars). 7 submissions from 7 submitters: Pathogenic (5); Likely pathogenic (1). 1 of the submissions does not count toward it. Last evaluated 2024-12-19.

Conditions:
Hereditary nonpolyposis colon cancer (HNPCC). Also called: Hereditary Nonpolyposis Colorectal Cancer Syndrome; Hereditary nonpolyposis colorectal cancer; Familial nonpolyposis colon cancer. Identifiers: Orphanet 443909, MedGen C1333990, MONDO:0018630. Disease mechanism: loss of function.
Hereditary nonpolyposis colorectal neoplasms. Identifiers: MedGen C0009405, MeSH D003123.
Hereditary cancer-predisposing syndrome. Also called: Hereditary neoplastic syndrome; Hereditary Cancer Syndrome; Neoplastic Syndromes, Hereditary; Tumor predisposition. Identifiers: Orphanet 140162, MedGen C0027672, MeSH D009386, MONDO:0015356.
Lynch syndrome 5 (LYNCH5). Also called: Colorectal cancer, hereditary nonpolyposis, type 5; Hereditary non-polyposis colorectal cancer, type 5. Identifiers: Orphanet 144, MedGen C1833477, MONDO:0013710, OMIM 614350. Disease mechanism: loss of function.
Breast carcinoma. Also called: Carcinoma of breast. Identifiers: MedGen C0678222, MONDO:0004989, HP:0003002.

Submissions (7):

Labcorp Genetics (formerly Invitae), Labcorp
Classification: Pathogenic for Hereditary nonpolyposis colorectal neoplasms. Last evaluated: 2024-12-19. Review status: criteria provided, single submitter. Criteria: Invitae Variant Classification Sherloc (09022015). Collection method: clinical testing. Allele origin: germline.
Comment: This sequence change creates a premature translational stop signal (p.Ser1246Ilefs*30) in the MSH6 gene. It is expected to result in an absent or disrupted protein product. Loss-of-function variants in MSH6 are known to be pathogenic (PMID: 18269114, 24362816). This variant is not present in population databases (gnomAD no frequency). This premature translational stop signal has been observed in individual(s) with clinical features of MSH6-related conditions (PMID: 21520333). ClinVar contains an entry for this variant (Variation ID: 418871). For these reasons, this variant has been classified as Pathogenic.

Ambry Genetics
Classification: Pathogenic for Hereditary cancer-predisposing syndrome. Last evaluated: 2024-01-16. Review status: criteria provided, single submitter. Criteria: Ambry Variant Classification Scheme 2023. Collection method: clinical testing. Allele origin: germline.
Comment: The c.3732_3735dupATTT pathogenic mutation, located in coding exon 8 of the MSH6 gene, results from a duplication of ATTT at nucleotide position 3732, causing a translational frameshift with a predicted alternate stop codon (p.S1246Ifs*30). This alteration is expected to result in loss of function by premature protein truncation or nonsense-mediated mRNA decay. As such, this alteration is interpreted as a disease-causing mutation.

Myriad Genetics, Inc.
Classification: Pathogenic for Lynch syndrome 5. Last evaluated: 2023-08-25. Review status: criteria provided, single submitter. Criteria: Myriad Autosomal Dominant, Autosomal Recessive and X-Linked Classification Criteria (2023). Collection method: clinical testing. Allele origin: unknown.
Comment: This variant is considered pathogenic. This variant creates a frameshift predicted to result in premature protein truncation.

Women's Health and Genetics/Laboratory Corporation of America, LabCorp
Classification: Likely pathogenic for Lynch syndrome. Last evaluated: 2019-12-17. Review status: criteria provided, single submitter. Criteria: LabCorp Variant Classification Summary - May 2015. Collection method: clinical testing. Allele origin: germline.
Comment: Variant summary: MSH6 c.3732_3735dupATTT (p.Ser1246IlefsX30) results in a premature termination codon, predicted to cause a truncation of the encoded protein or absence of the protein due to nonsense mediated decay, which are commonly known mechanisms for disease. Truncations downstream of this position have been classified as pathogenic by our laboratory. The variant allele was found at a frequency of 4e-06 in 251206 control chromosomes (gnomAD). The variant, c.3732_3735dupATTT, has been reported in one unaffected individual who has a family history of cancer (Roberts_2018). To our knowledge, no experimental evidence demonstrating an impact on protein function has been reported. One ClinVar submitter (evaluation after 2014) cites the variant as pathogenic. Based on the evidence outlined above, the variant was classified as likely pathogenic.

Quest Diagnostics Nichols Institute San Juan Capistrano
Classification: Pathogenic. Last evaluated: 2019-04-25. Review status: criteria provided, single submitter. Criteria: Quest Diagnostics criteria. Collection method: clinical testing. Allele origin: germline.
Comment: The variant results in a shift of the reading frame, and is therefore predicted to result in the loss of a functional protein. Frequency is consistent with pathogenicity. Seen in at least one patient.

GeneDx
Classification: Pathogenic. Last evaluated: 2018-12-03. Review status: criteria provided, single submitter. Criteria: GeneDx Variant Classification (06012015). Collection method: clinical testing. Allele origin: germline. Affected: yes.
Comment: This duplication of four nucleotides in MSH6 is denoted c.3732_3735dupATTT at the cDNA level and p.Ser1246IlefsX30 (S1246IfsX30) at the protein level. The normal sequence, with the bases that are duplicated in brackets, is CATT[dupATTT]TCAA. The duplication causes a frameshift which changes a Serine to an Isoleucine at codon 1246, and creates a premature stop codon at position 30 of the new reading frame. This variant is predicted to cause loss of normal protein function through either protein truncation or nonsense-mediated mRNA decay. MSH6 c.3732_3735dupATTT has been reported in an unaffected individual undergoing multi-gene panel testing due to a family history of cancer (Roberts 2018). We consider this variant to be pathogenic.

Medical Genetics Laboratory, Umraniye Training and Research Hospital, University of Health Sciences
Classification: Pathogenic for Breast carcinoma. Last evaluated: 2021-08-09. Review status: no assertion criteria provided. Collection method: clinical testing. Allele origin: germline. Affected: yes. Observed: 1 variant allele, 1 heterozygote. Not counted in ClinVar's aggregate classification.

Literature cited by the submitters: PubMed 18269114 (cited by Labcorp Genetics (formerly Invitae), Labcorp); PubMed 24362816 (cited by Labcorp Genetics (formerly Invitae), Labcorp); PubMed 21520333 (cited by Labcorp Genetics (formerly Invitae), Labcorp); PubMed 29345684 (cited by Women's Health and Genetics/Laboratory Corporation of America, LabCorp and Quest Diagnostics Nichols Institute San Juan Capistrano).